The following is an entry in ClinVar:

NM_206933.4(USH2A):c.13191G>A (p.Glu4397=)

Gene: USH2A (usherin; minus strand). Cytogenetic location: 1q41.
Variant type: single nucleotide variant.
Coding change: c.13191G>A on transcript NM_206933.4 (MANE Select); coding-DNA position 13191, G replaced by A.
Protein change: p.Glu4397=; no amino-acid change (glutamic acid 4397 retained).
Molecular consequence: synonymous variant.
Genome position (GRCh38, 1-based): chr1:215,674,720, C>T on the plus strand (G>A on the coding strand, the complement: USH2A is on the minus strand). VCF-style: chr1-215674720-C-T. GRCh37 (hg19) VCF-style: chr1-215848062-C-T.
Other names: p.E4397E:GAG>GAA; p.Glu4397=.
Identifiers: ClinVar variation 48413 (VCV000048413.27), dbSNP rs2009923, ClinGen allele CA143310.
Genomic context (GRCh38, chr1:215,674,720, plus strand): 5'-ATACTGAGAGTAAGGCTGCAGGTGGGAAACCAGCAGGCACAGGCCCTGGCCAGCAAGGGA[C>T]TCTTTATTATCATATCTAACTAAATATTTAGTAATCTTTCCATTTTGCACTGTGGGCGGT-3'
Protein context (NP_996816.3, residues 4387-4407): TKYLVRYDNK[Glu4397=]SLAGQGLCLL

ClinVar aggregate classification (germline): Benign. Review status: criteria provided, multiple submitters, no conflicts (2 of 4 stars). 12 submissions from 12 submitters: Benign (11). 1 of the submissions does not count toward it. Last evaluated 2026-06-02.

Conditions:
Retinal dystrophy. Also called: Inherited retinal dystrophy. Identifiers: Orphanet 71862, MedGen C0854723, MeSH D058499, MONDO:0019118, HP:0000556.
Usher syndrome type 2A. Also called: RETINAL DISEASE IN USHER SYNDROME TYPE IIA, MODIFIER OF; USHER SYNDROME, TYPE IIA. Identifiers: Orphanet 231178, Orphanet 886, MedGen C1848634, MONDO:0010169, OMIM 276901.

Allele frequency attached by ClinVar (database versions not stated): ESP Exome Variant Server 0.14447; TOPMed 0.15083; gnomAD exomes 0.19606 and 0.20287; ExAC 0.19933; 1000 Genomes Project 0.20347; 1000 Genomes Project 30x 0.19738; gnomAD 0.15011 and 0.15885.
gnomAD v4.1: 310,993 of 1,613,934 alleles (19%); highest among the groups gnomAD compares: East Asian, 37%; 32,233 homozygotes.

Submissions (12):

Women's Health and Genetics/Laboratory Corporation of America, LabCorp
Classification: Benign. Last evaluated: 2026-06-02. Review status: criteria provided, single submitter. Criteria: LabCorp Variant Classification Summary - May 2015. Collection method: clinical testing. Allele origin: germline.

Labcorp Genetics (formerly Invitae), Labcorp
Classification: Benign. Last evaluated: 2026-02-04. Review status: criteria provided, single submitter. Criteria: Invitae Variant Classification Sherloc (09022015). Collection method: clinical testing. Allele origin: germline.

Blueprint Genetics
Classification: Benign. Last evaluated: 2024-11-26. Review status: criteria provided, single submitter. Criteria: ACMG Guidelines, 2015. Collection method: clinical testing. Allele origin: germline.

Dept Of Ophthalmology, Nagoya University
Classification: Benign for Retinal dystrophy. Last evaluated: 2023-10-01. Review status: criteria provided, single submitter. Criteria: Submitter's publication. Collection method: research. Allele origin: germline. Affected: yes.

Genome-Nilou Lab
Classification: Benign for Usher syndrome type 2A. Last evaluated: 2021-07-01. Review status: criteria provided, single submitter. Criteria: ACMG Guidelines, 2015. Collection method: clinical testing. Allele origin: germline. Affected: no.

Mayo Clinic Laboratories, Mayo Clinic
Classification: Benign. Last evaluated: 2020-12-03. Review status: criteria provided, single submitter. Criteria: ACMG Guidelines, 2015. Collection method: clinical testing. Allele origin: germline. Observed: 58 variant alleles.

Eurofins Ntd Llc (ga)
Classification: Benign. Last evaluated: 2014-07-22. Review status: criteria provided, single submitter. Criteria: EGL Classification Definitions 2015. Collection method: clinical testing. Allele origin: germline. Observed: 1 variant allele, 1 heterozygote.

GeneDx
Classification: Benign. Last evaluated: 2011-07-05. Review status: criteria provided, single submitter. Criteria: GeneDx Variant Classification (06012015). Collection method: clinical testing. Allele origin: germline. Affected: yes.
Comment: This variant is considered likely benign or benign based on one or more of the following criteria: it is a conservative change, it occurs at a poorly conserved position in the protein, it is predicted to be benign by multiple in silico algorithms, and/or has population frequency not consistent with disease.

Laboratory for Molecular Medicine, Mass General Brigham Personalized Medicine
Classification: Benign. Last evaluated: 2008-02-19. Review status: criteria provided, single submitter. Criteria: LMM Criteria. Collection method: clinical testing. Allele origin: germline. Observed: 748 variant alleles.

Breakthrough Genomics
Classification: Benign. Review status: criteria provided, single submitter. Criteria: ACMG Guidelines, 2015. Collection method: not provided. Allele origin: germline. Inheritance: Autosomal recessive inheritance. Affected: yes.

PreventionGenetics, part of Exact Sciences
Classification: Benign. Review status: criteria provided, single submitter. Criteria: ACMG Guidelines, 2015. Collection method: clinical testing. Allele origin: germline.

Natera, Inc.
Classification: Benign for Usher syndrome type 2A. Last evaluated: 2020-09-16. Review status: no assertion criteria provided. Collection method: clinical testing. Allele origin: germline. Not counted in ClinVar's aggregate classification.